The following is an entry in ClinVar:

ClinVar aggregate classification (germline): Uncertain significance (1 of 4 stars; one submission).

gnomAD v4.1: 86 of 1,602,280 alleles (0.0054%); highest among the groups gnomAD compares: South Asian, 0.019%; no homozygotes.

Submission:

Women's Health and Genetics/Laboratory Corporation of America, LabCorp
Classification: Uncertain significance. Last evaluated: 2025-12-23. Review status: criteria provided, single submitter. Criteria: LabCorp Variant Classification Summary - May 2015. Collection method: clinical testing. Allele origin: germline.
Comment: Variant summary: RNF125 c.173G>A (p.Arg58His) results in a non-conservative amino acid change in the encoded protein sequence. Algorithms developed to predict the effect of missense changes on protein structure and function are either unavailable or do not agree on the potential impact of this missense change. The variant allele was found at a frequency of 7.1e-05 in 238826 control chromosomes. This frequency is not significantly higher than estimated for disease-causing variants in RNF125, allowing no conclusion about variant significance. To our knowledge, no occurrence of c.173G>A in individuals affected with RNF125-related conditions and no experimental evidence demonstrating its impact on protein function have been reported. No submitters have cited clinical-significance assessments for this variant to ClinVar. Based on the evidence outlined above, the variant was classified as uncertain significance.

NM_017831.4(RNF125):c.173G>A (p.Arg58His)

Gene: RNF125 (ring finger protein 125; plus strand). Cytogenetic location: 18q12.1.
Variant type: single nucleotide variant.
Coding change: c.173G>A on transcript NM_017831.4 (MANE Select); coding-DNA position 173, G replaced by A.
Protein change: p.Arg58His; replaces arginine 58 with histidine.
Molecular consequence: missense variant.
Genome position (GRCh38, 1-based): chr18:32,037,124, G>A. VCF-style: chr18-32037124-G-A. GRCh37 (hg19) VCF-style: chr18-29617087-G-A.
Other names: c.173G>A, p.Arg58His (NM_001436860.1, NM_001436861.1); short protein forms R58H.
Identifiers: ClinVar variation 4688893 (VCV004688893.1).